The following is an entry in ClinVar:

NM_001084.5(PLOD3):c.1890T>G (p.Tyr630Ter)

Gene: PLOD3 (procollagen-lysine,2-oxoglutarate 5-dioxygenase 3; minus strand). Cytogenetic location: 7q22.1.
Variant type: single nucleotide variant.
Coding change: c.1890T>G on transcript NM_001084.5 (MANE Select); coding-DNA position 1890, T replaced by G.
Protein change: p.Tyr630Ter; replaces tyrosine 630 with a stop codon.
Molecular consequence: nonsense.
Genome position (GRCh38, 1-based): chr7:101,207,623, A>C on the plus strand (T>G on the coding strand, the complement: PLOD3 is on the minus strand). VCF-style: chr7-101207623-A-C. GRCh37 (hg19) VCF-style: chr7-100850904-A-C.
Other names: short protein forms Y630*.
Identifiers: ClinVar variation 225442 (VCV000225442.5), dbSNP rs748105435, ClinGen allele CA4407484.

ClinVar aggregate classification (germline): Pathogenic/Likely pathogenic. Review status: criteria provided, multiple submitters, no conflicts (2 of 4 stars). 3 submissions from 3 submitters: Pathogenic (2); Likely pathogenic (1). Last evaluated 2025-11-22.

Conditions:
Bone fragility with contractures, arterial rupture, and deafness. Also called: LH3 DEFICIENCY; LYSYL HYDROXYLASE 3 DEFICIENCY; BCARD SYNDROME; BONE ABNORMALITIES, CATARACT, ARTERIAL RUPTURE, AND DEAFNESS. Identifiers: Orphanet 300284, MedGen C2676285, MONDO:0012892, OMIM 612394.

Allele frequency attached by ClinVar (database versions not stated): ExAC 0.00002; gnomAD exomes 0.00002 and 0.00003; TOPMed 0.00002.
gnomAD v4.1: 19 of 1,614,026 alleles (0.0012%); highest among the groups gnomAD compares: East Asian, 0.04%; no homozygotes.

Submissions (3):

Labcorp Genetics (formerly Invitae), Labcorp
Classification: Pathogenic. Last evaluated: 2025-11-22. Review status: criteria provided, single submitter. Criteria: Invitae Variant Classification Sherloc (09022015). Collection method: clinical testing. Allele origin: germline.
Comment: This sequence change creates a premature translational stop signal (p.Tyr630*) in the PLOD3 gene. It is expected to result in an absent or disrupted protein product. Loss-of-function variants in PLOD3 are known to be pathogenic (PMID: 30237576). This variant is present in population databases (rs748105435, gnomAD 0.02%). This premature translational stop signal has been observed in individual(s) with clinical features of lysyl hydroxylase-3 deficiency (PMID: 36307859). ClinVar contains an entry for this variant (Variation ID: 225442). Algorithms developed to predict the effect of sequence changes on RNA splicing suggest that this variant may disrupt the consensus splice site. For these reasons, this variant has been classified as Pathogenic.

Soonchunhyang University Bucheon Hospital, Soonchunhyang University Medical Center
Classification: Likely pathogenic for Bone fragility with contractures, arterial rupture, and deafness. Last evaluated: 2016-03-18. Review status: criteria provided, single submitter. Criteria: ACMG Guidelines, 2015. Collection method: reference population. Allele origin: germline. Observed: 1 variant allele.

Juno Genomics, Hangzhou Juno Genomics, Inc
Classification: Pathogenic for Bone fragility with contractures, arterial rupture, and deafness. Review status: criteria provided, single submitter. Criteria: ACMG Guidelines, 2015. Collection method: clinical testing. Allele origin: germline.
Comment: Absent from controls (or at extremely low frequency if recessive) in Genome Aggregation Database.;Null variant in a gene where loss of function (LOF) is a known mechanism of disease.;For recessive disorders, detected in trans with a pathogenic variant.;Patient's phenotype or family history is highly specific for a disease with a single genetic etiology.

Literature cited by the submitters: PubMed 30237576 (cited by Labcorp Genetics (formerly Invitae), Labcorp); PubMed 36307859 (cited by Labcorp Genetics (formerly Invitae), Labcorp); PubMed 18834968 (cited by Soonchunhyang University Bucheon Hospital, Soonchunhyang University Medical Center).